The following is an entry in ClinVar:

ClinVar aggregate classification (germline): Uncertain significance (1 of 4 stars; one submission).

Conditions:
Capillary malformation-arteriovenous malformation syndrome. Also called: Capillary malformation-arteriovenous malformation. Identifiers: Orphanet 137667, MedGen C1842180, MONDO:0012016.

Allele frequency attached by ClinVar (database versions not stated): gnomAD exomes below 0.00001.
gnomAD v4.1: 3 of 1,605,130 alleles (0.00019%); no homozygotes.

Submission:

Labcorp Genetics (formerly Invitae), Labcorp
Classification: Uncertain significance for Capillary malformation-arteriovenous malformation syndrome. Last evaluated: 2024-01-26. Review status: criteria provided, single submitter. Criteria: Invitae Variant Classification Sherloc (09022015). Collection method: clinical testing. Allele origin: germline.
Comment: This sequence change replaces glycine, which is neutral and non-polar, with serine, which is neutral and polar, at codon 485 of the RASA1 protein (p.Gly485Ser). This variant also falls at the last nucleotide of exon 10, which is part of the consensus splice site for this exon. This variant is not present in population databases (gnomAD no frequency). This variant has not been reported in the literature in individuals affected with RASA1-related conditions. Algorithms developed to predict the effect of missense changes on protein structure and function output the following: SIFT: "Not Available"; PolyPhen-2: "Benign"; Align-GVGD: "Not Available". The serine amino acid residue is found in multiple mammalian species, which suggests that this missense change does not adversely affect protein function. Variants that disrupt the consensus splice site are a relatively common cause of aberrant splicing (PMID: 17576681, 9536098). In summary, the available evidence is currently insufficient to determine the role of this variant in disease. Therefore, it has been classified as a Variant of Uncertain Significance.

Literature cited by the submitters: PubMed 17576681; PubMed 9536098.

NM_002890.3(RASA1):c.1453G>A (p.Gly485Ser)

Genes: CCNH (cyclin H; minus strand), RASA1 (RAS p21 protein activator 1; plus strand). Cytogenetic location: 5q14.3.
Variant type: single nucleotide variant.
Coding change: c.1453G>A on transcript NM_002890.3 (MANE Select); coding-DNA position 1453, G replaced by A.
Protein change: p.Gly485Ser; replaces glycine 485 with serine.
Molecular consequence: missense variant. On other transcripts: intron variant (1).
Genome position (GRCh38, 1-based): chr5:87,362,671, G>A. VCF-style: chr5-87362671-G-A. GRCh37 (hg19) VCF-style: chr5-86658488-G-A.
Other names: c.922G>A, p.Gly308Ser (NM_022650.3); c.933+32373C>T (NM_001364075.2); short protein forms G308S, G485S.
Identifiers: ClinVar variation 2807567 (VCV002807567.3), dbSNP rs1161195439, ClinGen allele CA360368191.